The following is an entry in ClinVar:

ClinVar aggregate classification (germline): Likely benign (1 of 4 stars; one submission).

Allele frequency attached by ClinVar (database versions not stated): ESP Exome Variant Server 0.00038; TOPMed 0.00040; ExAC 0.00044; gnomAD 0.00050.
gnomAD v4.1: 900 of 1,613,746 alleles (0.056%); highest among the groups gnomAD compares: Non-Finnish European, 0.069%; 1 homozygote.

Submission:

CeGaT Center for Human Genetics Tuebingen
Classification: Likely benign. Last evaluated: 2022-06-01. Review status: criteria provided, single submitter. Criteria: CeGaT Center For Human Genetics Tuebingen Variant Classification Criteria Version 2. Collection method: clinical testing. Allele origin: germline. Affected: yes. Observed: 1 variant allele.
Comment: TTYH2: BP4, BP7

NM_032646.6(TTYH2):c.1239C>T (p.Ala413=)

Gene: TTYH2 (tweety family member 2; plus strand). Cytogenetic location: 17q25.1.
Variant type: single nucleotide variant.
Coding change: c.1239C>T on transcript NM_032646.6 (MANE Select); coding-DNA position 1239, C replaced by T.
Protein change: p.Ala413=; no amino-acid change (alanine 413 retained).
Molecular consequence: synonymous variant.
Genome position (GRCh38, 1-based): chr17:74,252,356, C>T. VCF-style: chr17-74252356-C-T. GRCh37 (hg19) VCF-style: chr17-72248495-C-T.
Other names: c.1176C>T, p.Ala392= (NM_001330453.2); c.276C>T, p.Ala92= (NM_052869.1).
Identifiers: ClinVar variation 2648190 (VCV002648190.24), dbSNP rs201639966, ClinGen allele CA8744974.